The following is an entry in ClinVar:

ClinVar aggregate classification (germline): Likely pathogenic. Review status: criteria provided, single submitter (1 of 4 stars). 2 submissions from 2 submitters: Likely pathogenic (1). 1 of the submissions does not count toward it. Last evaluated 2018-01-02.

Conditions:
Gaucher disease. Also called: Acute cerebral Gaucher disease; Cerebroside lipidosis syndrome; Gaucher splenomegaly; Sphingolipidosis 1; Glucocerebrosidosis; Glucosylceramidase deficiency. Identifiers: Orphanet 355, MedGen C0017205, MONDO:0018150.

Allele frequency attached by ClinVar (database versions not stated): gnomAD exomes below 0.00001; TOPMed below 0.00001; ExAC 0.00001; gnomAD 0.00001.

Submissions (2):

Women's Health and Genetics/Laboratory Corporation of America, LabCorp
Classification: Likely pathogenic for Gaucher disease. Last evaluated: 2018-01-02. Review status: criteria provided, single submitter. Criteria: LabCorp Variant Classification Summary - May 2015. Collection method: clinical testing. Allele origin: germline.
Comment: Variant summary: The GBA c.1250G>A (p.Trp417X) variant results in a premature termination codon, predicted to cause a truncated or absent GBA protein due to nonsense mediated decay, which are commonly known mechanisms for disease. This variant was found in 1/246262 control chromosomes (gnomAD) at a frequency of 0.0000041, which does not exceed the estimated maximal expected allele frequency of a pathogenic GBA variant (0.005). A publication, Beutler_2005, indicates the variant has been observed in a Gaucher disease patient. However, the variant of interest has not, to our knowledge, been reported by other clinical diagnostic laboratories (via ClinVar), although HGMD cites the variant as "disease-causing." Taken together, this variant is classified as likely pathogenic.

Natera, Inc.
Classification: Likely pathogenic for Gaucher disease. Last evaluated: 2020-07-30. Review status: no assertion criteria provided. Collection method: clinical testing. Allele origin: germline. Not counted in ClinVar's aggregate classification.

Literature cited by the submitters: PubMed 16185900 (cited by Women's Health and Genetics/Laboratory Corporation of America, LabCorp); PubMed 18338393 (cited by Women's Health and Genetics/Laboratory Corporation of America, LabCorp).

NM_000157.4(GBA1):c.1250G>A (p.Trp417Ter)

Genes: GBA1 (glucosylceramidase beta 1; minus strand), LOC106627981 (GBA recombination region; plus strand). Cytogenetic location: 1q22.
Variant type: single nucleotide variant.
Coding change: c.1250G>A on transcript NM_000157.4 (MANE Select); coding-DNA position 1250, G replaced by A.
Protein change: p.Trp417Ter; replaces tryptophan 417 with a stop codon.
Molecular consequence: nonsense.
Genome position (GRCh38, 1-based): chr1:155,235,819, C>T on the plus strand (G>A on the coding strand, the complement: GBA1 is on the minus strand). VCF-style: chr1-155235819-C-T. GRCh37 (hg19) VCF-style: chr1-155205610-C-T.
Other names: c.1250G>A, p.Trp417Ter (NM_001005741.3, NM_001005742.3); c.989G>A, p.Trp330Ter (NM_001171811.2); c.1103G>A, p.Trp368Ter (NM_001171812.2); short protein forms W417*, W330*, W368*.
Identifiers: ClinVar variation 632832 (VCV000632832.5), dbSNP rs754743440, ClinGen allele CA1141570.